The following is an entry in ClinVar:

ClinVar aggregate classification (germline): Uncertain significance (1 of 4 stars; one submission).

Submission:

GeneDx
Classification: Uncertain significance. Last evaluated: 2022-06-01. Review status: criteria provided, single submitter. Criteria: GeneDx Variant Classification Process June 2021. Collection method: clinical testing. Allele origin: germline. Affected: yes.
Comment: Not observed at significant frequency in large population cohorts (gnomAD); In silico analysis supports that this missense variant does not alter protein structure/function; Has not been previously published as pathogenic or benign to our knowledge

NM_001166114.2(PNPLA6):c.1136A>T (p.Asp379Val)

Gene: PNPLA6 (patatin like domain 6, lysophospholipase; plus strand). Cytogenetic location: 19p13.2.
Variant type: single nucleotide variant.
Coding change: c.1136A>T on transcript NM_001166114.2 (MANE Select); coding-DNA position 1136, A replaced by T.
Protein change: p.Asp379Val; replaces aspartic acid 379 with valine.
Molecular consequence: missense variant.
Genome position (GRCh38, 1-based): chr19:7,541,652, A>T. VCF-style: chr19-7541652-A-T. GRCh37 (hg19) VCF-style: chr19-7606538-A-T.
Other names: c.1163A>T, p.Asp388Val (NM_001166111.2); c.1019A>T, p.Asp340Val (NM_001166112.2, NM_001166113.1, NM_006702.5); short protein forms D340V, D379V, D388V.
Identifiers: ClinVar variation 1802124 (VCV001802124.1), dbSNP rs2512503845, ClinGen allele CA403109867.
Genomic context (GRCh38, chr19:7,541,652, plus strand): 5'-AGAGAATGGTCAGCACCTCAGCTACAGACGAGCCCAGGGAGACCCCAGGGCGGCCACCCG[A>T]TCCCACCGGGGCCCCGCTGCCTGGACCTACAGGTACCCAGGGACCCGAGGCCAGCCGAGC-3'
Protein context (NP_001159586.1, residues 369-389): EPRETPGRPP[Asp379Val]PTGAPLPGPT